The following is an entry in ClinVar:

NM_145290.4(ADGRA3):c.1453G>A (p.Val485Met)

Gene: ADGRA3 (adhesion G protein-coupled receptor A3; minus strand). Cytogenetic location: 4p15.2.
Variant type: single nucleotide variant.
Coding change: c.1453G>A on transcript NM_145290.4 (MANE Select); coding-DNA position 1453, G replaced by A.
Protein change: p.Val485Met; replaces valine 485 with methionine.
Molecular consequence: missense variant.
Genome position (GRCh38, 1-based): chr4:22,424,343, C>T on the plus strand (G>A on the coding strand, the complement: ADGRA3 is on the minus strand). VCF-style: chr4-22424343-C-T. GRCh37 (hg19) VCF-style: chr4-22425966-C-T.
Other names: c.1453G>A (NM_145290.2); short protein forms V485M.
Identifiers: ClinVar variation 1946647 (VCV001946647.7), dbSNP rs757813561, ClinGen allele CA2873943.

ClinVar aggregate classification (germline): Uncertain significance. Review status: criteria provided, multiple submitters, no conflicts (2 of 4 stars). 3 submissions from 3 submitters: Uncertain significance (2). 1 of the submissions does not count toward it. Last evaluated 2025-04-23.

Conditions:
Retinal dystrophy. Also called: Inherited retinal dystrophy. Identifiers: Orphanet 71862, MedGen C0854723, MeSH D058499, MONDO:0019118, HP:0000556.

Allele frequency attached by ClinVar (database versions not stated): ExAC 0.00001; gnomAD exomes 0.00001.
gnomAD v4.1: 11 of 1,613,044 alleles (0.00068%); highest among the groups gnomAD compares: East Asian, 0.0022%; no homozygotes.

Submissions (3):

Labcorp Genetics (formerly Invitae), Labcorp
Classification: Uncertain significance. Last evaluated: 2025-04-23. Review status: criteria provided, single submitter. Criteria: Invitae Variant Classification Sherloc (09022015). Collection method: clinical testing. Allele origin: germline.
Comment: This sequence change replaces valine, which is neutral and non-polar, with methionine, which is neutral and non-polar, at codon 485 of the ADGRA3 protein (p.Val485Met). This variant is present in population databases (rs757813561, gnomAD 0.003%). This variant has not been reported in the literature in individuals affected with ADGRA3-related conditions. ClinVar contains an entry for this variant (Variation ID: 1946647). An algorithm developed to predict the effect of missense changes on protein structure and function (PolyPhen-2) suggests that this variant is likely to be disruptive. In summary, the available evidence is currently insufficient to determine the role of this variant in disease. Therefore, it has been classified as a Variant of Uncertain Significance.

Ambry Genetics
Classification: Uncertain significance. Last evaluated: 2025-04-12. Review status: criteria provided, single submitter. Criteria: Ambry Variant Classification Scheme 2023. Collection method: clinical testing. Allele origin: germline.

Institute of Human Genetics, Univ. Regensburg, Univ. Regensburg
Classification: Uncertain significance for Retinal dystrophy. Last evaluated: 2023-01-01. Review status: no assertion criteria provided. Criteria: ACMG Guidelines, 2015. Collection method: clinical testing. Allele origin: germline. Affected: yes. Not counted in ClinVar's aggregate classification.